The following is an entry in ClinVar:

ClinVar aggregate classification (germline): Uncertain significance (1 of 4 stars; one submission).

gnomAD v4.1: 5 of 1,614,010 alleles (0.00031%); highest among the groups gnomAD compares: South Asian, 0.0022%; no homozygotes.

Submission:

Labcorp Genetics (formerly Invitae), Labcorp
Classification: Uncertain significance. Last evaluated: 2024-12-09. Review status: criteria provided, single submitter. Criteria: Invitae Variant Classification Sherloc (09022015). Collection method: clinical testing. Allele origin: germline.
Comment: This sequence change replaces threonine, which is neutral and polar, with isoleucine, which is neutral and non-polar, at codon 383 of the SIAE protein (p.Thr383Ile). This variant is not present in population databases (gnomAD no frequency). This variant has not been reported in the literature in individuals affected with SIAE-related conditions. An algorithm developed to predict the effect of missense changes on protein structure and function (PolyPhen-2) suggests that this variant is likely to be disruptive. In summary, the available evidence is currently insufficient to determine the role of this variant in disease. Therefore, it has been classified as a Variant of Uncertain Significance.

NM_170601.5(SIAE):c.1148C>T (p.Thr383Ile)

Gene: SIAE (sialic acid acetylesterase; minus strand). Cytogenetic location: 11q24.2.
Variant type: single nucleotide variant.
Coding change: c.1148C>T on transcript NM_170601.5 (MANE Select); coding-DNA position 1148, C replaced by T.
Protein change: p.Thr383Ile; replaces threonine 383 with isoleucine.
Molecular consequence: missense variant.
Genome position (GRCh38, 1-based): chr11:124,638,714, G>A on the plus strand (C>T on the coding strand, the complement: SIAE is on the minus strand). VCF-style: chr11-124638714-G-A. GRCh37 (hg19) VCF-style: chr11-124508610-G-A.
Other names: c.1043C>T, p.Thr348Ile (NM_001199922.2); short protein forms T348I, T383I.
Identifiers: ClinVar variation 3614622 (VCV003614622.2).